The following is an entry in ClinVar:

ClinVar aggregate classification (germline): Benign (0 of 4 stars; one submission).

Conditions:
RALGAPB-related disorder. Also called: RALGAPB-related condition.

Allele frequency attached by ClinVar (database versions not stated): gnomAD exomes 0.00045; ExAC 0.00134; gnomAD 0.00422; TOPMed 0.00468; ESP Exome Variant Server 0.00507; 1000 Genomes Project 30x 0.00515; 1000 Genomes Project 0.00539.
gnomAD v4.1: 1,311 of 1,613,914 alleles (0.081%); highest among the groups gnomAD compares: African/African-American, 1.5%; 14 homozygotes.

Submission:

PreventionGenetics, part of Exact Sciences
Classification: Benign for RALGAPB-related condition. Last evaluated: 2019-11-25. Review status: no assertion criteria provided. Collection method: clinical testing. Allele origin: germline.
Comment: This variant is classified as benign based on ACMG/AMP sequence variant interpretation guidelines (Richards et al. 2015 PMID: 25741868, with internal and published modifications).

NM_020336.4(RALGAPB):c.1284A>G (p.Glu428=)

Gene: RALGAPB (Ral GTPase activating protein non-catalytic subunit beta; plus strand). Cytogenetic location: 20q11.23.
Variant type: single nucleotide variant.
Coding change: c.1284A>G on transcript NM_020336.4 (MANE Select); coding-DNA position 1284, A replaced by G.
Protein change: p.Glu428=; no amino-acid change (glutamic acid 428 retained).
Molecular consequence: synonymous variant.
Genome position (GRCh38, 1-based): chr20:38,517,867, A>G. VCF-style: chr20-38517867-A-G. GRCh37 (hg19) VCF-style: chr20-37146510-A-G.
Other names: c.1284A>G, p.Glu428= (NM_001282917.2, NM_001282918.2).
Identifiers: ClinVar variation 3033905 (VCV003033905.2), dbSNP rs41276946, ClinGen allele CA9853938.